The following is an entry in ClinVar:

NM_005612.5(REST):c.2893A>G (p.Thr965Ala)

Gene: REST (RE1 silencing transcription factor; plus strand). Cytogenetic location: 4q12.
Variant type: single nucleotide variant.
Coding change: c.2893A>G on transcript NM_005612.5 (MANE Select); coding-DNA position 2893, A replaced by G.
Protein change: p.Thr965Ala; replaces threonine 965 with alanine.
Molecular consequence: missense variant.
Genome position (GRCh38, 1-based): chr4:56,931,751, A>G. VCF-style: chr4-56931751-A-G. GRCh37 (hg19) VCF-style: chr4-57797917-A-G.
Other names: c.2893A>G, p.Thr965Ala (NM_001193508.2, NM_001363453.3); short protein forms T965A.
Identifiers: ClinVar variation 2919823 (VCV002919823.4), dbSNP rs200509833, ClinGen allele CA2932573.

ClinVar aggregate classification (germline): Conflicting classifications of pathogenicity. Review status: criteria provided, conflicting classifications (1 of 4 stars). 2 submissions from 2 submitters: Uncertain significance (1); Likely benign (1). Last evaluated 2024-08-10.

Conditions:
Inborn genetic diseases. Identifiers: MedGen C0950123, MeSH D030342.

Allele frequency attached by ClinVar (database versions not stated): gnomAD exomes below 0.00001; TOPMed below 0.00001; gnomAD 0.00001; ExAC 0.00002; 1000 Genomes Project 30x 0.00016; 1000 Genomes Project 0.00020.
gnomAD v4.1: 3 of 1,614,240 alleles (0.00019%); highest among the groups gnomAD compares: East Asian, 0.0067%; no homozygotes.

Submissions (2):

Ambry Genetics
Classification: Likely benign for Inborn genetic diseases. Last evaluated: 2024-08-10. Review status: criteria provided, single submitter. Criteria: Ambry Variant Classification Scheme 2023. Collection method: clinical testing. Allele origin: germline.

Labcorp Genetics (formerly Invitae), Labcorp
Classification: Uncertain significance. Last evaluated: 2023-01-01. Review status: criteria provided, single submitter. Criteria: Invitae Variant Classification Sherloc (09022015). Collection method: clinical testing. Allele origin: germline.
Comment: In summary, the available evidence is currently insufficient to determine the role of this variant in disease. Therefore, it has been classified as a Variant of Uncertain Significance. Algorithms developed to predict the effect of missense changes on protein structure and function output the following: SIFT: "Tolerated"; PolyPhen-2: "Benign"; Align-GVGD: "Class C0". The alanine amino acid residue is found in multiple mammalian species, which suggests that this missense change does not adversely affect protein function. This variant has not been reported in the literature in individuals affected with REST-related conditions. This variant is present in population databases (rs200509833, gnomAD 0.01%). This sequence change replaces threonine, which is neutral and polar, with alanine, which is neutral and non-polar, at codon 965 of the REST protein (p.Thr965Ala).